The following is an entry in ClinVar:

ClinVar aggregate classification (germline): Pathogenic (1 of 4 stars; one submission).

Submission:

Labcorp Genetics (formerly Invitae), Labcorp
Classification: Pathogenic. Last evaluated: 2020-10-07. Review status: criteria provided, single submitter. Criteria: Invitae Variant Classification Sherloc (09022015). Collection method: clinical testing. Allele origin: germline.
Comment: For these reasons, this variant has been classified as Pathogenic. Loss-of-function variants in NSD1 are known to be pathogenic (PMID: 12464997, 14571271, 15942875, 16247291). Algorithms developed to predict the effect of sequence changes on RNA splicing suggest that this variant may create or strengthen a splice site, but this prediction has not been confirmed by published transcriptional studies. This variant has not been reported in the literature in individuals with NSD1-related conditions. This variant is not present in population databases (ExAC no frequency). This sequence change creates a premature translational stop signal (p.Leu1552*) in the NSD1 gene. It is expected to result in an absent or disrupted protein product.

Literature cited by the submitters: PubMed 12464997; PubMed 14571271; PubMed 15942875; PubMed 16247291.

NM_022455.5(NSD1):c.4655T>A (p.Leu1552Ter)

Gene: NSD1 (nuclear receptor binding SET domain protein 1; plus strand). Cytogenetic location: 5q35.3.
Variant type: single nucleotide variant.
Coding change: c.4655T>A on transcript NM_022455.5 (MANE Select); coding-DNA position 4655, T replaced by A.
Protein change: p.Leu1552Ter; replaces leucine 1552 with a stop codon.
Molecular consequence: nonsense.
Genome position (GRCh38, 1-based): chr5:177,251,743, T>A. VCF-style: chr5-177251743-T-A. GRCh37 (hg19) VCF-style: chr5-176678744-T-A.
Other names: c.3782T>A, p.Leu1261Ter (NM_001365684.2, NM_001409306.1, NM_001409307.1 and 3 more transcripts); c.4655T>A, p.Leu1552Ter (NM_001409301.1, NM_001409302.1, NM_001409303.1); c.4235T>A, p.Leu1412Ter (NM_001409304.1); c.3902T>A, p.Leu1301Ter (NM_001409305.1); short protein forms L1283*, L1552*, L1261*, L1301*, L1412*.
Identifiers: ClinVar variation 1068588 (VCV001068588.7), dbSNP rs2149904394, ClinGen allele CA362351499.
Genomic context (GRCh38, chr5:177,251,743, plus strand): 5'-ATTCTCAAACATGGAAAAACAGATAGATGTTTTCTTTCTCTTAACAGAATTGTGAAAAAT[T>A]GGGTGAGCTGCTGTTATGTGAGGCTCAGTGCTGTGGGGCTTTCCACCTGGAGTGCCTTGG-3'